The following is an entry in ClinVar:

NM_001830.4(CLCN4):c.1765G>A (p.Glu589Lys)

Gene: CLCN4 (Cl-/H+ antiporter 4; plus strand). Cytogenetic location: Xp22.2.
Variant type: single nucleotide variant.
Coding change: c.1765G>A on transcript NM_001830.4 (MANE Select); coding-DNA position 1765, G replaced by A.
Protein change: p.Glu589Lys; replaces glutamic acid 589 with lysine.
Molecular consequence: missense variant.
Genome position (GRCh38, 1-based): chrX:10,213,869, G>A. VCF-style: chrX-10213869-G-A. GRCh37 (hg19) VCF-style: chrX-10181909-G-A.
Other names: c.1483G>A, p.Glu495Lys (NM_001256944.2); short protein forms E495K, E589K.
Identifiers: ClinVar variation 1714915 (VCV001714915.6), dbSNP rs2518889541, ClinGen allele CA412042487.
Genomic context (GRCh38, chrX:10,213,869, plus strand): 5'-GAAGGCATCTACGAGGCCCACATCCACTTAAATGGGTACCCTTTCCTTGACGTGAAGGAC[G>A]AGTTTACTCACCGCACACTGGCCACCGACGTCATGCGGCCCCGGCGGGGAGAGCCGCCAC-3'
Protein context (NP_001821.2, residues 579-599): NGYPFLDVKD[Glu589Lys]FTHRTLATDV

ClinVar aggregate classification (germline): Uncertain significance. Review status: criteria provided, multiple submitters, no conflicts (2 of 4 stars). 2 submissions from 2 submitters: Uncertain significance (2). Last evaluated 2025-09-29.

Conditions:
Intellectual disability, X-linked 49 (MRXSRC). Also called: MRX49; CLCN4-Related Neurodevelopmental Disorder; CLCN4-related X-linked intellectual disability syndrome; RAYNAUD-CLAES SYNDROME; MENTAL RETARDATION, X-LINKED 15. Identifiers: Orphanet 485350, Orphanet 777, MedGen C0796221, MONDO:0010250, OMIM 300114.

Submissions (2):

Institute of Human Genetics, University of Leipzig Medical Center
Classification: Uncertain significance for Intellectual disability, X-linked 49. Last evaluated: 2025-09-29. Review status: criteria provided, single submitter. Criteria: ACMG Guidelines, 2015. Collection method: clinical testing. Allele origin: unknown. Inheritance: X-linked dominant inheritance. Affected: yes.
Comment: Criteria applied: PM2,PP2,PP3

Labcorp Genetics (formerly Invitae), Labcorp
Classification: Uncertain significance. Last evaluated: 2022-08-03. Review status: criteria provided, single submitter. Criteria: Invitae Variant Classification Sherloc (09022015). Collection method: clinical testing. Allele origin: germline.
Comment: In summary, the available evidence is currently insufficient to determine the role of this variant in disease. Therefore, it has been classified as a Variant of Uncertain Significance. Algorithms developed to predict the effect of missense changes on protein structure and function (SIFT, PolyPhen-2, Align-GVGD) all suggest that this variant is likely to be disruptive. This variant has not been reported in the literature in individuals affected with CLCN4-related conditions. This variant is not present in population databases (gnomAD no frequency). This sequence change replaces glutamic acid, which is acidic and polar, with lysine, which is basic and polar, at codon 589 of the CLCN4 protein (p.Glu589Lys).